The following is an entry in ClinVar:

ClinVar aggregate classification (germline): Benign/Likely benign. Review status: criteria provided, multiple submitters, no conflicts (2 of 4 stars). 23 submissions from 23 submitters: Benign (9); Likely benign (6). 8 of the submissions do not count toward it. Last evaluated 2026-02-04.

Conditions:
Breast-ovarian cancer, familial, susceptibility to, 5 (BROVCA5). Identifiers: MedGen C5830615, MONDO:0957530, OMIM 620442.
Breast and/or ovarian cancer. Identifiers: MedGen CN221562.
Hereditary cancer-predisposing syndrome. Also called: Tumor predisposition; Hereditary neoplastic syndrome; Neoplastic Syndromes, Hereditary; Hereditary Cancer Syndrome. Identifiers: Orphanet 140162, MedGen C0027672, MeSH D009386, MONDO:0015356.
Hereditary breast ovarian cancer syndrome. Also called: Hereditary breast and ovarian cancer syndrome (HBOC); Hereditary breast and ovarian cancer; Hereditary breast and ovarian cancer syndrome; Breast and ovarian cancer; Hereditary breast and/or ovarian cancer syndrome; BRCA1- and BRCA2-Associated Hereditary Breast and Ovarian Cancer. Identifiers: Orphanet 145, MedGen C0677776, MeSH D061325, MONDO:0003582. Disease mechanism: loss of function.
Familial cancer of breast. Also called: Hereditary breast cancer; hereditary breast carcinoma; BREAST CANCER, FAMILIAL. Identifiers: Orphanet 227535, MedGen C0346153, MONDO:0016419, OMIM 114480. Disease mechanism: loss of function.
Malignant tumor of breast. Also called: Malignant breast neoplasm; Cancer breast. Identifiers: MedGen C0006142, MONDO:0007254. Disease mechanism: loss of function.

Allele frequency attached by ClinVar (database versions not stated): gnomAD exomes 0.00034 and 0.00080; ExAC 0.00106; ESP Exome Variant Server 0.00285; gnomAD 0.00289 and 0.00309; 1000 Genomes Project 0.00319; TOPMed 0.00333; 1000 Genomes Project 30x 0.00359.
gnomAD v4.1: 956 of 1,614,242 alleles (0.059%); highest among the groups gnomAD compares: African/African-American, 1.1%; 4 homozygotes.

Submissions (23):

Labcorp Genetics (formerly Invitae), Labcorp
Classification: Benign for Familial cancer of breast. Last evaluated: 2026-02-04. Review status: criteria provided, single submitter. Criteria: Invitae Variant Classification Sherloc (09022015). Collection method: clinical testing. Allele origin: germline.

CeGaT Center for Human Genetics Tuebingen
Classification: Likely benign. Last evaluated: 2025-12-01. Review status: criteria provided, single submitter. Criteria: CeGaT Center For Human Genetics Tuebingen Variant Classification Criteria Version 2. Collection method: clinical testing. Allele origin: germline. Affected: yes. Observed: 7 variant alleles.
Comment: PALB2: BP4, BP7, BS1

Center for Genomic Medicine, Rigshospitalet, Copenhagen University Hospital
Classification: Benign. Last evaluated: 2025-03-04. Review status: criteria provided, single submitter. Criteria: ACMG Guidelines, 2015. Collection method: clinical testing. Allele origin: germline.

Blueprint Genetics
Classification: Likely benign. Last evaluated: 2024-11-27. Review status: criteria provided, single submitter. Criteria: ACMG Guidelines, 2015. Collection method: clinical testing. Allele origin: germline.

KCCC/NGS Laboratory, Kuwait Cancer Control Center
Classification: Benign for Breast-ovarian cancer, familial, susceptibility to, 5. Last evaluated: 2023-07-07. Review status: criteria provided, single submitter. Criteria: ACMG Guidelines, 2015. Collection method: clinical testing. Allele origin: germline. Affected: yes.

Myriad Genetics, Inc.
Classification: Benign for Familial cancer of breast. Last evaluated: 2023-04-03. Review status: criteria provided, single submitter. Criteria: Myriad Autosomal Dominant, Autosomal Recessive and X-Linked Classification Criteria (2023). Collection method: clinical testing. Allele origin: unknown.
Comment: This variant is considered benign. This variant is a silent/synonymous amino acid change and it is not expected to impact splicing.

CHEO Genetics Diagnostic Laboratory, Children's Hospital of Eastern Ontario
Classification: Benign for Breast and/or ovarian cancer. Last evaluated: 2022-12-19. Review status: criteria provided, single submitter. Criteria: ACMG Guidelines, 2015. Collection method: clinical testing. Allele origin: germline.

National Health Laboratory Service, Universitas Academic Hospital and University of the Free State
Classification: Likely benign for Hereditary breast ovarian cancer syndrome. Last evaluated: 2022-04-19. Review status: criteria provided, single submitter. Criteria: ACMG Guidelines, 2015. Collection method: clinical testing. Allele origin: germline. Affected: yes. Observed: 8 variant alleles.

Institute for Biomarker Research, Medical Diagnostic Laboratories, L.L.C.
Classification: Likely benign for Hereditary cancer-predisposing syndrome. Last evaluated: 2018-01-16. Review status: criteria provided, single submitter. Criteria: ACMG Guidelines, 2015. Collection method: clinical testing. Allele origin: germline.

PreventionGenetics, part of Exact Sciences
Classification: Benign. Last evaluated: 2017-06-20. Review status: criteria provided, single submitter. Criteria: ACMG Guidelines, 2015. Collection method: clinical testing. Allele origin: germline.

Women's Health and Genetics/Laboratory Corporation of America, LabCorp
Classification: Benign. Last evaluated: 2016-07-11. Review status: criteria provided, single submitter. Criteria: LabCorp Variant Classification Summary - May 2015. Collection method: clinical testing. Allele origin: germline.
Comment: Variant summary: The PALB2 c.1419A>C (p.Pro473Pro) variant causes a synonymous change involving a non-conserved nucleotide with 5/5 splice prediction tools predicting no significant impact on splicing and alteration to an ESE binding site, although these predictions have yet to be functionally assessed. The variant of interest was observed in the large, broad control population, ExAC with an allele frequency of 129/121282 (1/939, 2 homozygotes), predominantly in the African cohort, 121/10362 (1/85, 2 homozygotes), which significantly exceeds the estimated maximal expected allele frequency for a pathogenic PALB2 variant of 1/6397. Therefore, suggesting the variant is a common polymorphism found in population(s) of African origin. In addition, multiple reputable clinical laboratories cite the variant as "likely benign/benign." Therefore, taking all available lines of evidence into considearation, the variant of interest has been classified as Benign.

Genetic Services Laboratory, University of Chicago
Classification: Likely benign. Last evaluated: 2016-01-21. Review status: criteria provided, single submitter. Criteria: ACMG Guidelines, 2015. Collection method: clinical testing. Allele origin: germline. Affected: no.

Color Diagnostics, LLC DBA Color Health
Classification: Benign for Hereditary cancer-predisposing syndrome. Last evaluated: 2015-04-13. Review status: criteria provided, single submitter. Criteria: ACMG Guidelines, 2015. Collection method: clinical testing. Allele origin: germline.

Ambry Genetics
Classification: Likely benign for Hereditary cancer-predisposing syndrome. Last evaluated: 2014-06-18. Review status: criteria provided, single submitter. Criteria: Ambry Variant Classification Scheme 2023. Collection method: clinical testing. Allele origin: germline.

GeneDx
Classification: Benign. Last evaluated: 2013-12-16. Review status: criteria provided, single submitter. Criteria: GeneDx Variant Classification (06012015). Collection method: clinical testing. Allele origin: germline. Affected: yes.
Comment: This variant is considered likely benign or benign based on one or more of the following criteria: it is a conservative change, it occurs at a poorly conserved position in the protein, it is predicted to be benign by multiple in silico algorithms, and/or has population frequency not consistent with disease.

Leiden Open Variation Database
Classification: Benign for Familial cancer of breast. Last evaluated: 2019-05-13. Review status: no assertion criteria provided. Collection method: curation. Allele origin: germline. Affected: yes. Not counted in ClinVar's aggregate classification.
Comment: Curators: Marc Tischkowitz, Arleen D. Auerbach. Submitter to LOVD: Marc Tischkowitz.

True Health Diagnostics
Classification: Likely benign for Hereditary cancer-predisposing syndrome. Last evaluated: 2018-06-18. Review status: no assertion criteria provided. Collection method: clinical testing. Allele origin: germline. Not counted in ClinVar's aggregate classification.

Counsyl
Classification: Likely benign for Familial cancer of breast. Last evaluated: 2015-12-01. Review status: no assertion criteria provided. Collection method: clinical testing. Allele origin: unknown. Not counted in ClinVar's aggregate classification.

Clinical Genetics Laboratory, Department of Pathology, Netherlands Cancer Institute
Classification: Benign. Review status: no assertion criteria provided. Collection method: clinical testing. Allele origin: germline. Affected: yes. Study: VKGL Data-share Consensus. Not counted in ClinVar's aggregate classification.

Department of Pathology and Laboratory Medicine, Sinai Health System
Classification: Benign for Malignant tumor of breast. Review status: no assertion criteria provided. Collection method: clinical testing. Allele origin: unknown. Affected: yes. Study: The Canadian Open Genetics Repository (COGR). Not counted in ClinVar's aggregate classification.
Comment: The PALB2 p.Pro473= variant was identified in 4 of 3246 proband chromosomes (frequency: 0.001) from individuals or families with breast cancer and was not identified in 2082 control chromosomes from healthy individuals (Damiola 2015, Ding 2011, Hellebrand 2011, Sauty de Chalon 2010). The variant was also identified in the following databases: dbSNP (ID: rs62625275), ClinVar (classified as benign by GeneDx, Invitae, Color Genomics, Laboratory Corporation of America; as likely benign by Ambry Genetics, Counsyl, GSLUOC, PALB2 database), Clinvitae (conflicting interpretations of pathogenicity), Zhejiang Colon Cancer Database. The variant was not identified in Cosmic, MutDB, or LOVD 3.0 databases. The variant was identified in control databases in 270 of 276902 chromosomes (2 homozygous) at a frequency of 0.001 increasing the likelihood this could be a low frequency benign variant (Genome Aggregation Database Feb 27, 2017). It was observed in the following populations: African in 242 of 24034 chromosomes (freq: 0.01), â€šÃ„ÃºOtherâ€šÃ„Ã¹ in 1 of 6464 chromosomes (freq: 0.0002), Latino in 21 of 34414 chromosomes (freq: 0.001), European in 4 of 126400 chromosomes (freq: 0.00003), and South Asian in 2 of 30782 chromosomes (freq: 0.0001); it was not observed in the Ashkenazi Jewish, East Asian, or Finnish populations. The p.Pro473= variant is not expected to have clinical significance because it does not result in a change of amino acid and is not located in a known consensus splice site. In addition, in silico or computational prediction software programs (SpliceSiteFinder, MaxEntScan, NNSPLICE, GeneSplicer, HumanSpliceFinder) do not predict a difference in splicing. In summary, based on the above information this variant meets our laboratory's criteria to be classified as benign.

Genome Diagnostics Laboratory, University Medical Center Utrecht
Classification: Benign. Review status: no assertion criteria provided. Collection method: clinical testing. Allele origin: germline. Affected: yes. Study: VKGL Data-share Consensus. Not counted in ClinVar's aggregate classification.

Joint Genome Diagnostic Labs from Nijmegen and Maastricht, Radboudumc and MUMC+
Classification: Likely benign. Review status: no assertion criteria provided. Collection method: clinical testing. Allele origin: germline. Affected: yes. Study: VKGL Data-share Consensus. Not counted in ClinVar's aggregate classification.

Laboratory of Diagnostic Genome Analysis, Leiden University Medical Center (LUMC)
Classification: Benign. Review status: no assertion criteria provided. Collection method: clinical testing. Allele origin: germline. Affected: yes. Study: VKGL Data-share Consensus. Not counted in ClinVar's aggregate classification.

Literature cited by the submitters: PubMed 21618343 (cited by Women's Health and Genetics/Laboratory Corporation of America, LabCorp and Counsyl); PubMed 18302019 (cited by Leiden Open Variation Database); PubMed 21113654 (cited by Leiden Open Variation Database and Counsyl); PubMed 26564480 (cited by Counsyl); PubMed 20091115 (cited by Counsyl).

NM_024675.4(PALB2):c.1419A>C (p.Pro473=)

Gene: PALB2 (partner and localizer of BRCA2; minus strand). Cytogenetic location: 16p12.2.
Variant type: single nucleotide variant.
Coding change: c.1419A>C on transcript NM_024675.4 (MANE Select); coding-DNA position 1419, A replaced by C.
Protein change: p.Pro473=; no amino-acid change (proline 473 retained).
Molecular consequence: synonymous variant.
Genome position (GRCh38, 1-based): chr16:23,635,127, T>G on the plus strand (A>C on the coding strand, the complement: PALB2 is on the minus strand). VCF-style: chr16-23635127-T-G. GRCh37 (hg19) VCF-style: chr16-23646448-T-G.
Other names: p.P473P:CCA>CCC; NP_078951.2:p.Pro473=.
Identifiers: ClinVar variation 126601 (VCV000126601.71), dbSNP rs62625275, ClinGen allele CA292662.
Genomic context (GRCh38, chr16:23,635,127, plus strand): 5'-GGGCCCAGCGGGAGAGCTGACTTTAGTTAATGAGAGAAGTTTCTGAGAGGTTCTTGAACT[T>G]GGTTGTCCTGTGCATGTGCCAGACATCCTAATTTCACTTTGGTCAGTTTCCTCATTGGAA-3'
Protein context (NP_078951.2, residues 463-483): IRMSGTCTGQ[Pro473=]SSRTSQKLLS